The following is an entry in ClinVar:

ClinVar aggregate classification (germline): Uncertain significance (1 of 4 stars; one submission).

Submission:

Labcorp Genetics (formerly Invitae), Labcorp
Classification: Uncertain significance. Last evaluated: 2023-05-22. Review status: criteria provided, single submitter. Criteria: Invitae Variant Classification Sherloc (09022015). Collection method: clinical testing. Allele origin: germline.
Comment: This sequence change replaces glutamic acid, which is acidic and polar, with glutamine, which is neutral and polar, at codon 376 of the SLC1A2 protein (p.Glu376Gln). This variant is not present in population databases (gnomAD no frequency). This variant has not been reported in the literature in individuals affected with SLC1A2-related conditions. Advanced modeling of protein sequence and biophysical properties (such as structural, functional, and spatial information, amino acid conservation, physicochemical variation, residue mobility, and thermodynamic stability) performed at Invitae indicates that this missense variant is not expected to disrupt SLC1A2 protein function. In summary, the available evidence is currently insufficient to determine the role of this variant in disease. Therefore, it has been classified as a Variant of Uncertain Significance.

NM_004171.4(SLC1A2):c.1126G>C (p.Glu376Gln)

Gene: SLC1A2 (solute carrier family 1 member 2; minus strand). Cytogenetic location: 11p13.
Variant type: single nucleotide variant.
Coding change: c.1126G>C on transcript NM_004171.4 (MANE Select); coding-DNA position 1126, G replaced by C.
Protein change: p.Glu376Gln; replaces glutamic acid 376 with glutamine.
Molecular consequence: missense variant.
Genome position (GRCh38, 1-based): chr11:35,286,917, C>G on the plus strand (G>C on the coding strand, the complement: SLC1A2 is on the minus strand). VCF-style: chr11-35286917-C-G. GRCh37 (hg19) VCF-style: chr11-35308464-C-G.
Other names: c.1099G>C, p.Glu367Gln (NM_001195728.3, NM_001252652.2); short protein forms E367Q, E376Q.
Identifiers: ClinVar variation 2866802 (VCV002866802.3), dbSNP rs2134718908, ClinGen allele CA380123178.